The following is an entry in ClinVar:

NM_005050.4(ABCD4):c.1084G>A (p.Glu362Lys)

Gene: ABCD4 (ATP binding cassette subfamily D member 4; minus strand). Cytogenetic location: 14q24.3.
Variant type: single nucleotide variant.
Coding change: c.1084G>A on transcript NM_005050.4 (MANE Select); coding-DNA position 1084, G replaced by A.
Protein change: p.Glu362Lys; replaces glutamic acid 362 with lysine.
Molecular consequence: missense variant. On other transcripts: non-coding transcript variant (10).
Genome position (GRCh38, 1-based): chr14:74,292,321, C>T on the plus strand (G>A on the coding strand, the complement: ABCD4 is on the minus strand). VCF-style: chr14-74292321-C-T. GRCh37 (hg19) VCF-style: chr14-74759024-C-T.
Other names: c.958G>A, p.Glu320Lys (NM_001353591.2, NM_001353592.2); c.823G>A, p.Glu275Lys (NM_001353593.2); c.772G>A, p.Glu258Lys (NM_001353594.2); c.670G>A, p.Glu224Lys (NM_001353595.2, NM_001353596.2); c.619G>A, p.Glu207Lys (NM_001353597.2); c.607G>A, p.Glu203Lys (NM_001353598.2, NM_001353599.2, NM_001353600.2 and 2 more transcripts); c.295G>A, p.Glu99Lys (NM_001353602.2, NM_001353603.2, NM_001353604.2 and 6 more transcripts); c.1084G>A, p.Glu362Lys (NM_020325.3); short protein forms E362K, E203K, E275K, E207K, E320K, E224K, E258K, E99K.
Identifiers: ClinVar variation 377339 (VCV000377339.3), dbSNP rs775602421, ClinGen allele CA7266941.

ClinVar aggregate classification (germline): Uncertain significance (1 of 4 stars; one submission).

Allele frequency attached by ClinVar (database versions not stated): gnomAD exomes below 0.00001; TOPMed below 0.00001; ExAC 0.00001; gnomAD 0.00001.

Submission:

Center for Pediatric Genomic Medicine, Children's Mercy Hospital and Clinics
Classification: Uncertain significance. Last evaluated: 2016-08-26. Review status: criteria provided, single submitter. Criteria: ACMG Guidelines, 2015. Collection method: clinical testing. Allele origin: germline.
ClinVar note: Converted during submission from Uncertain Significance to Uncertain significance.